The following is an entry in ClinVar:

NM_000440.3(PDE6A):c.1165C>T (p.Pro389Ser)

Gene: PDE6A (phosphodiesterase 6A; minus strand). Cytogenetic location: 5q32.
Variant type: single nucleotide variant.
Coding change: c.1165C>T on transcript NM_000440.3 (MANE Select); coding-DNA position 1165, C replaced by T.
Protein change: p.Pro389Ser; replaces proline 389 with serine.
Molecular consequence: missense variant.
Genome position (GRCh38, 1-based): chr5:149,899,473, G>A on the plus strand (C>T on the coding strand, the complement: PDE6A is on the minus strand). VCF-style: chr5-149899473-G-A. GRCh37 (hg19) VCF-style: chr5-149279036-G-A.
Other names: short protein forms P389S.
Identifiers: ClinVar variation 1391737 (VCV001391737.4), dbSNP rs1305050912, ClinGen allele CA361696970.

ClinVar aggregate classification (germline): Uncertain significance (1 of 4 stars; one submission).

Allele frequency attached by ClinVar (database versions not stated): gnomAD exomes below 0.00001; TOPMed below 0.00001; gnomAD 0.00001.
gnomAD v4.1: 5 of 1,613,812 alleles (0.00031%); highest among the groups gnomAD compares: Admixed American, 0.0017%; no homozygotes.

Submission:

Labcorp Genetics (formerly Invitae), Labcorp
Classification: Uncertain significance. Last evaluated: 2022-07-06. Review status: criteria provided, single submitter. Criteria: Invitae Variant Classification Sherloc (09022015). Collection method: clinical testing. Allele origin: germline.
Comment: This variant is present in population databases (no rsID available, gnomAD 0.01%). This sequence change replaces proline, which is neutral and non-polar, with serine, which is neutral and polar, at codon 389 of the PDE6A protein (p.Pro389Ser). This variant has not been reported in the literature in individuals affected with PDE6A-related conditions. In summary, the available evidence is currently insufficient to determine the role of this variant in disease. Therefore, it has been classified as a Variant of Uncertain Significance. Algorithms developed to predict the effect of missense changes on protein structure and function are either unavailable or do not agree on the potential impact of this missense change (SIFT: "Tolerated"; PolyPhen-2: "Probably Damaging"; Align-GVGD: "Class C0"). ClinVar contains an entry for this variant (Variation ID: 1391737).